The following is an entry in ClinVar:

ClinVar aggregate classification (germline): Likely benign. Review status: criteria provided, multiple submitters, no conflicts (2 of 4 stars). 3 submissions from 3 submitters: Likely benign (3). Last evaluated 2025-09-19.

Conditions:
Cenani-Lenz syndactyly syndrome. Also called: SYNDACTYLY, TYPE VII; CENANI SYNDACTYLISM. Identifiers: Orphanet 3258, MedGen C1859309, MONDO:0008931, OMIM 212780.
Congenital myasthenic syndrome 17. Identifiers: Orphanet 590, MedGen C4225377, MONDO:0014578, OMIM 616304.
Sclerosteosis 2 (SOST2). Identifiers: Orphanet 3152, MedGen C3280402, MONDO:0013679, OMIM 614305.

Allele frequency attached by ClinVar (database versions not stated): gnomAD exomes 0.00003 and 0.00006; ExAC 0.00005; gnomAD 0.00005 and 0.00006; TOPMed 0.00005; ESP Exome Variant Server 0.00008.
gnomAD v4.1: 95 of 1,613,720 alleles (0.0059%); highest among the groups gnomAD compares: Non-Finnish European, 0.0076%; no homozygotes.

Submissions (3):

Mayo Clinic Laboratories, Mayo Clinic
Classification: Likely benign. Last evaluated: 2025-09-19. Review status: criteria provided, single submitter. Criteria: ACMG Guidelines, 2015. Collection method: clinical testing. Allele origin: germline. Observed: 1 variant allele.
Comment: BP4, BP7

Labcorp Genetics (formerly Invitae), Labcorp
Classification: Likely benign for Cenani-Lenz syndactyly syndrome; Sclerosteosis 2; Congenital myasthenic syndrome 17. Last evaluated: 2025-05-13. Review status: criteria provided, single submitter. Criteria: Invitae Variant Classification Sherloc (09022015). Collection method: clinical testing. Allele origin: germline.

Blueprint Genetics
Classification: Likely benign. Last evaluated: 2022-11-14. Review status: criteria provided, single submitter. Criteria: ACMG Guidelines, 2015. Collection method: clinical testing. Allele origin: germline.

NM_002334.4(LRP4):c.4254C>T (p.Asn1418=)

Genes: LRP4 (LDL receptor related protein 4; minus strand), LRP4-AS1 (LRP4 antisense RNA 1; plus strand). Cytogenetic location: 11p11.2.
Variant type: single nucleotide variant.
Coding change: c.4254C>T on transcript NM_002334.4 (MANE Select); coding-DNA position 4254, C replaced by T.
Protein change: p.Asn1418=; no amino-acid change (asparagine 1418 retained).
Molecular consequence: synonymous variant. On other transcripts: non-coding transcript variant (1).
Genome position (GRCh38, 1-based): chr11:46,873,569, G>A on the plus strand (C>T on the coding strand, the complement: LRP4 is on the minus strand). VCF-style: chr11-46873569-G-A. GRCh37 (hg19) VCF-style: chr11-46895120-G-A.
Other names: p.Asn1418=.
Identifiers: ClinVar variation 783263 (VCV000783263.11), dbSNP rs201016203, ClinGen allele CA5969369.
Genomic context (GRCh38, chr11:46,873,569, plus strand): 5'-CACCCAGTCCACTGCCAGCCCGTCAGTGGTCTTCAGCCCTCGCCCGATCACTGTCTCCAT[G>A]TTGCTGCCGTTCAGGTCTGCTCGCCTTGGGGAGAGCCCAGTGTTGGATGAGCAACCAGAC-3'
Protein context (NP_002325.2, residues 1408-1428): VIRRADLNGS[Asn1418=]METVIGRGLK